The following is an entry in ClinVar:

NM_205861.3(DHDDS):c.*629C>T

Gene: DHDDS (dehydrodolichyl diphosphate synthase subunit; plus strand). Cytogenetic location: 1p36.11.
Variant type: single nucleotide variant.
Coding change: c.*629C>T on transcript NM_205861.3 (MANE Select); 629 bases downstream of the stop codon, C replaced by T.
Molecular consequence: 3 prime UTR variant.
Genome position (GRCh38, 1-based): chr1:26,469,760, C>T. VCF-style: chr1-26469760-C-T. GRCh37 (hg19) VCF-style: chr1-26796251-C-T.
Other names: c.*629C>T (NM_001243564.2, NM_001243565.2, NM_001319959.2 and 1 more transcripts).
Identifiers: ClinVar variation 297089 (VCV000297089.6), dbSNP rs2494394, ClinGen allele CA10610033.

ClinVar aggregate classification (germline): Likely benign. Review status: criteria provided, multiple submitters, no conflicts (2 of 4 stars). 2 submissions from 2 submitters: Likely benign (2). Last evaluated 2018-01-13.

Conditions:
Retinitis pigmentosa (RP). Identifiers: Orphanet 791, MedGen C0035334, MeSH D012174, MONDO:0019200, OMIM 268000. Inheritance: Autosomal dominant, autosomal recessive and X linked inheritance.

Allele frequency attached by ClinVar (database versions not stated): gnomAD exomes 0.03390; TOPMed 0.04467; gnomAD 0.04709 and 0.04795; 1000 Genomes Project 0.05012; 1000 Genomes Project 30x 0.05200.
gnomAD v4.1: 7,467 of 158,778 alleles (4.7%); highest among the groups gnomAD compares: South Asian, 7.4%; 181 homozygotes.

Submissions (2):

Illumina Laboratory Services, Illumina
Classification: Likely benign for Retinitis pigmentosa. Last evaluated: 2018-01-13. Review status: criteria provided, single submitter. Criteria: ICSL Variant Classification Criteria 13 December 2019. Collection method: clinical testing. Allele origin: germline.
Comment: This variant was observed in the ICSL laboratory as part of a predisposition screen in an ostensibly healthy population. It had not been previously curated by ICSL or reported in the Human Gene Mutation Database (HGMD: prior to June 1st, 2018), and was therefore a candidate for classification through an automated scoring system. Utilizing variant allele frequency, disease prevalence and penetrance estimates, and inheritance mode, an automated score was calculated to assess if this variant is too frequent to cause the disease. Based on the score and internal cut-off values, a variant classified as likely benign is not then subjected to further curation. The score for this variant resulted in a classification of likely benign for this disease.

Breakthrough Genomics
Classification: Likely benign. Review status: criteria provided, single submitter. Criteria: ACMG Guidelines, 2015. Collection method: not provided. Allele origin: germline. Inheritance: Autosomal recessive inheritance. Affected: yes.